The following is an entry in ClinVar:

NM_001127222.2(CACNA1A):c.2530A>G (p.Thr844Ala)

Gene: CACNA1A (calcium voltage-gated channel subunit alpha1 A; minus strand). Cytogenetic location: 19p13.13.
Variant type: single nucleotide variant.
Coding change: c.2530A>G on transcript NM_001127222.2 (MANE Select); coding-DNA position 2530, A replaced by G.
Protein change: p.Thr844Ala; replaces threonine 844 with alanine.
Molecular consequence: missense variant.
Genome position (GRCh38, 1-based): chr19:13,299,103, T>C on the plus strand (A>G on the coding strand, the complement: CACNA1A is on the minus strand). VCF-style: chr19-13299103-T-C. GRCh37 (hg19) VCF-style: chr19-13409917-T-C.
Other names: c.2542A>G, p.Thr848Ala (NM_000068.4, NM_023035.3); c.2533A>G, p.Thr845Ala (NM_001127221.2, NM_001174080.2); short protein forms T844A, T845A, T848A.
Identifiers: ClinVar variation 3369322 (VCV003369322.1).

ClinVar aggregate classification (germline): Uncertain significance (1 of 4 stars; one submission).

Submission:

GeneDx
Classification: Uncertain significance. Last evaluated: 2024-02-14. Review status: criteria provided, single submitter. Criteria: GeneDx Variant Classification Process June 2021. Collection method: clinical testing. Allele origin: germline. Affected: yes.
Comment: Not observed at significant frequency in large population cohorts (gnomAD); In silico analysis supports that this missense variant does not alter protein structure/function; Has not been previously published as pathogenic or benign to our knowledge